The following is an entry in ClinVar:

ClinVar aggregate classification (germline): Uncertain significance. Review status: criteria provided, multiple submitters, no conflicts (2 of 4 stars). 2 submissions from 2 submitters: Uncertain significance (2). Last evaluated 2025-12-23.

Conditions:
Inborn genetic diseases. Identifiers: MedGen C0950123, MeSH D030342.

gnomAD v4.1: 1 of 1,613,410 alleles (0.000062%); highest among the groups gnomAD compares: South Asian, 0.0011%; no homozygotes.

Submissions (2):

Labcorp Genetics (formerly Invitae), Labcorp
Classification: Uncertain significance. Last evaluated: 2025-12-23. Review status: criteria provided, single submitter. Criteria: Invitae Variant Classification Sherloc (09022015). Collection method: clinical testing. Allele origin: germline.
Comment: This sequence change replaces proline, which is neutral and non-polar, with serine, which is neutral and polar, at codon 512 of the KMT2A protein (p.Pro512Ser). This variant is present in population databases (rs782789983, gnomAD 0.003%). This variant has not been reported in the literature in individuals affected with KMT2A-related conditions. ClinVar contains an entry for this variant (Variation ID: 4094237). Invitae Evidence Modeling of protein sequence and biophysical properties (such as structural, functional, and spatial information, amino acid conservation, physicochemical variation, residue mobility, and thermodynamic stability) indicates that this missense variant is not expected to disrupt KMT2A protein function with a negative predictive value of 95%. In summary, the available evidence is currently insufficient to determine the role of this variant in disease. Therefore, it has been classified as a Variant of Uncertain Significance.

Ambry Genetics
Classification: Uncertain significance for Inborn genetic diseases. Last evaluated: 2025-08-26. Review status: criteria provided, single submitter. Criteria: Ambry Variant Classification Scheme 2023. Collection method: clinical testing. Allele origin: germline.

NM_001197104.2(KMT2A):c.1534C>T (p.Pro512Ser)

Gene: KMT2A (lysine methyltransferase 2A; plus strand). Cytogenetic location: 11q23.3.
Variant type: single nucleotide variant.
Coding change: c.1534C>T on transcript NM_001197104.2 (MANE Select); coding-DNA position 1534, C replaced by T.
Protein change: p.Pro512Ser; replaces proline 512 with serine.
Molecular consequence: missense variant.
Genome position (GRCh38, 1-based): chr11:118,472,693, C>T. VCF-style: chr11-118472693-C-T. GRCh37 (hg19) VCF-style: chr11-118343408-C-T.
Other names: c.1633C>T, p.Pro545Ser (NM_001412597.1); c.1534C>T, p.Pro512Ser (NM_005933.4); short protein forms P545S, P512S.
Identifiers: ClinVar variation 4094237 (VCV004094237.2).